The following is an entry in ClinVar:

NM_004655.4(AXIN2):c.2152G>A (p.Ala718Thr)

Gene: AXIN2 (axin 2; minus strand). Cytogenetic location: 17q24.1.
Variant type: single nucleotide variant.
Coding change: c.2152G>A on transcript NM_004655.4 (MANE Select); coding-DNA position 2152, G replaced by A.
Protein change: p.Ala718Thr; replaces alanine 718 with threonine.
Molecular consequence: missense variant.
Genome position (GRCh38, 1-based): chr17:65,535,711, C>T on the plus strand (G>A on the coding strand, the complement: AXIN2 is on the minus strand). VCF-style: chr17-65535711-C-T. GRCh37 (hg19) VCF-style: chr17-63531829-C-T.
Other names: c.1957G>A, p.Ala653Thr (NM_001363813.1); short protein forms A653T, A718T.
Identifiers: ClinVar variation 1385580 (VCV001385580.8), dbSNP rs1211491592, ClinGen allele CA400675867.

ClinVar aggregate classification (germline): Uncertain significance (1 of 4 stars; one submission).

Conditions:
Oligodontia-cancer predisposition syndrome. Also called: TOOTH AGENESIS-COLORECTAL CANCER SYNDROME. Identifiers: Orphanet 300576, MedGen C1837750, MONDO:0012075, OMIM 608615. Disease mechanism: loss of function.

Submission:

Labcorp Genetics (formerly Invitae), Labcorp
Classification: Uncertain significance for Oligodontia-cancer predisposition syndrome. Last evaluated: 2025-06-29. Review status: criteria provided, single submitter. Criteria: Invitae Variant Classification Sherloc (09022015). Collection method: clinical testing. Allele origin: germline.
Comment: This sequence change replaces alanine, which is neutral and non-polar, with threonine, which is neutral and polar, at codon 718 of the AXIN2 protein (p.Ala718Thr). This variant is not present in population databases (gnomAD no frequency). This variant has not been reported in the literature in individuals affected with AXIN2-related conditions. ClinVar contains an entry for this variant (Variation ID: 1385580). Invitae Evidence Modeling of protein sequence and biophysical properties (such as structural, functional, and spatial information, amino acid conservation, physicochemical variation, residue mobility, and thermodynamic stability) indicates that this missense variant is not expected to disrupt AXIN2 protein function with a negative predictive value of 80%. In summary, the available evidence is currently insufficient to determine the role of this variant in disease. Therefore, it has been classified as a Variant of Uncertain Significance.